The following is an entry in ClinVar:

NM_032444.4(SLX4):c.742G>A (p.Glu248Lys)

Gene: SLX4 (SLX4 structure-specific endonuclease subunit; minus strand). Cytogenetic location: 16p13.3.
Variant type: single nucleotide variant.
Coding change: c.742G>A on transcript NM_032444.4 (MANE Select); coding-DNA position 742, G replaced by A.
Protein change: p.Glu248Lys; replaces glutamic acid 248 with lysine.
Molecular consequence: missense variant.
Genome position (GRCh38, 1-based): chr16:3,606,492, C>T on the plus strand (G>A on the coding strand, the complement: SLX4 is on the minus strand). VCF-style: chr16-3606492-C-T. GRCh37 (hg19) VCF-style: chr16-3656493-C-T.
Other names: c.742G>A (LRG_503t1); short protein forms E248K.
Identifiers: ClinVar variation 319184 (VCV000319184.34), dbSNP rs148547201, ClinGen allele CA7866772.

ClinVar aggregate classification (germline): Conflicting classifications of pathogenicity. Review status: criteria provided, conflicting classifications (1 of 4 stars). 7 submissions from 7 submitters: Uncertain significance (6); Likely benign (1). Last evaluated 2026-01-15.

Conditions:
Fanconi anemia complementation group P. Also called: SLX4-Related Fanconi Anemia. Identifiers: Orphanet 84, MedGen C3469542, MONDO:0013499, OMIM 613951.
Fanconi anemia (FA). Also called: Fanconi's anemia. Identifiers: Orphanet 84, MedGen C0015625, MeSH D005199, MONDO:0019391.

Allele frequency attached by ClinVar (database versions not stated): 1000 Genomes Project 30x 0.00016; 1000 Genomes Project 0.00020; TOPMed 0.00022; gnomAD 0.00023 and 0.00024; ExAC 0.00024; gnomAD exomes 0.00029; ESP Exome Variant Server 0.00046.
gnomAD v4.1: 640 of 1,614,230 alleles (0.04%); highest among the groups gnomAD compares: Non-Finnish European, 0.049%; no homozygotes.

Submissions (7):

Labcorp Genetics (formerly Invitae), Labcorp
Classification: Likely benign for Fanconi anemia. Last evaluated: 2026-01-15. Review status: criteria provided, single submitter. Criteria: Invitae Variant Classification Sherloc (09022015). Collection method: clinical testing. Allele origin: germline.

Blueprint Genetics
Classification: Uncertain significance. Last evaluated: 2024-07-10. Review status: criteria provided, single submitter. Criteria: ACMG Guidelines, 2015. Collection method: clinical testing. Allele origin: germline.

Fulgent Genetics
Classification: Uncertain significance for Fanconi anemia complementation group P. Last evaluated: 2024-06-12. Review status: criteria provided, single submitter. Criteria: ACMG Guidelines, 2015. Collection method: clinical testing. Allele origin: germline.

Sema4
Classification: Uncertain significance for Fanconi anemia. Last evaluated: 2021-04-11. Review status: criteria provided, single submitter. Criteria: Sema4 Curation Guidelines. Collection method: curation. Allele origin: germline.
Comment: The SLX4 c.742G>A (p.E248K) variant has been reported in 7 individuals with ovarian cancer, however was also found in several healthy controls in the same study (PMID: 32546565). It was observed in 81/281660 chromosomes in the large and broad cohorts of the Genome Aggregation Database. The variant has been reported in ClinVar (Variation ID 319184). In silico tools suggest the impact of the variant on protein function is benign, though these predictions have not been confirmed by functional studies. The evidence is insufficient to meet ACMG/AMP criteria for classifying the variant as benign or pathogenic. Thus, the clinical significance of this variant is currently uncertain.

GeneDx
Classification: Uncertain significance. Last evaluated: 2021-02-16. Review status: criteria provided, single submitter. Criteria: GeneDx Variant Classification Process June 2021. Collection method: clinical testing. Allele origin: germline. Affected: yes.
Comment: In silico analysis supports that this missense variant does not alter protein structure/function; Has not been previously published as pathogenic or benign to our knowledge

Illumina Laboratory Services, Illumina
Classification: Uncertain significance for Fanconi anemia complementation group P. Last evaluated: 2018-01-12. Review status: criteria provided, single submitter. Criteria: ICSL Variant Classification Criteria 13 December 2019. Collection method: clinical testing. Allele origin: germline.

Genetic Services Laboratory, University of Chicago
Classification: Uncertain significance. Last evaluated: 2016-07-27. Review status: criteria provided, single submitter. Criteria: ACMG Guidelines, 2015. Collection method: clinical testing. Allele origin: germline. Affected: no.

Literature cited by the submitters: PubMed 32546565 (cited by Sema4).